The following is an entry in ClinVar:

ClinVar aggregate classification (germline): Conflicting classifications of pathogenicity. Review status: criteria provided, conflicting classifications (1 of 4 stars). 3 submissions from 3 submitters: Uncertain significance (2); Likely benign (1). Last evaluated 2023-03-23.

Conditions:
Hereditary cancer-predisposing syndrome. Also called: Hereditary Cancer Syndrome; Hereditary neoplastic syndrome; Neoplastic Syndromes, Hereditary; Tumor predisposition. Identifiers: Orphanet 140162, MedGen C0027672, MeSH D009386, MONDO:0015356.
Hereditary breast ovarian cancer syndrome. Also called: Hereditary breast and ovarian cancer; Breast and ovarian cancer; Hereditary breast and ovarian cancer syndrome; Hereditary breast and/or ovarian cancer syndrome; BRCA1- and BRCA2-Associated Hereditary Breast and Ovarian Cancer; Hereditary breast and ovarian cancer syndrome (HBOC). Identifiers: Orphanet 145, MedGen C0677776, MeSH D061325, MONDO:0003582. Disease mechanism: loss of function.

Submissions (3):

University of Washington Department of Laboratory Medicine, University of Washington
Classification: Likely benign for Hereditary cancer-predisposing syndrome. Last evaluated: 2023-03-23. Review status: criteria provided, single submitter. Criteria: Dines et al. (Genet Med. 2020). Collection method: curation. Allele origin: germline.
Comment: Missense variant in a coldspot region where missense variants are very unlikely to be pathogenic (PMID:31911673).

BRCA2 exon 11 coldspot. Reclassification based on statistical prior probability.

Labcorp Genetics (formerly Invitae), Labcorp
Classification: Uncertain significance for Hereditary breast ovarian cancer syndrome. Last evaluated: 2020-10-20. Review status: criteria provided, single submitter. Criteria: Invitae Variant Classification Sherloc (09022015). Collection method: clinical testing. Allele origin: germline.
Comment: In summary, the available evidence is currently insufficient to determine the role of this variant in disease. Therefore, it has been classified as a Variant of Uncertain Significance. Advanced modeling of protein sequence and biophysical properties (such as structural, functional, and spatial information, amino acid conservation, physicochemical variation, residue mobility, and thermodynamic stability) performed at Invitae indicates that this missense variant is not expected to disrupt BRCA2 protein function. This variant has not been reported in the literature in individuals with BRCA2-related conditions. ClinVar contains an entry for this variant (Variation ID: 441465). This variant is not present in population databases (ExAC no frequency). This sequence change replaces aspartic acid with histidine at codon 1096 of the BRCA2 protein (p.Asp1096His). The aspartic acid residue is moderately conserved and there is a moderate physicochemical difference between aspartic acid and histidine.

Ambry Genetics
Classification: Uncertain significance for Hereditary cancer-predisposing syndrome. Last evaluated: 2016-01-22. Review status: criteria provided, single submitter. Criteria: Ambry Variant Classification Scheme 2023. Collection method: clinical testing. Allele origin: germline.
Comment: The p.D1096H variant (also known as c.3286G>C), located in coding exon 10 of the BRCA2 gene, results from a G to C substitution at nucleotide position 3286. The aspartic acid at codon 1096 is replaced by histidine, an amino acid with similar properties. This variant was not reported in population based cohorts in the following databases: Database of Single Nucleotide Polymorphisms (dbSNP), NHLBI Exome Sequencing Project (ESP), and 1000 Genomes Project. In the ESP, this variant was not observed in 6485 samples (12970 alleles) with coverage at this position. To date, this alteration has been detected with an allele frequency of approximately 0.0004% (greater than 225000 alleles tested) in our clinical cohort. This amino acid position is not well conserved in available vertebrate species. In addition, this alteration is predicted to be possibly damaging and deleterious by PolyPhen and SIFT in silico analyses, respectively. Since supporting evidence is limited at this time, the clinical significance of this alteration remains unclear.

NM_000059.4(BRCA2):c.3286G>C (p.Asp1096His)

Gene: BRCA2 (BRCA2 DNA repair associated; plus strand). Cytogenetic location: 13q13.1.
Variant type: single nucleotide variant.
Coding change: c.3286G>C on transcript NM_000059.4 (MANE Select); coding-DNA position 3286, G replaced by C.
Protein change: p.Asp1096His; replaces aspartic acid 1096 with histidine.
Molecular consequence: missense variant.
Genome position (GRCh38, 1-based): chr13:32,337,641, G>C. VCF-style: chr13-32337641-G-C. GRCh37 (hg19) VCF-style: chr13-32911778-G-C.
Other names: short protein forms D1096H.
Identifiers: ClinVar variation 441465 (VCV000441465.14), dbSNP rs876660870, ClinGen allele CA387776112.